The following is an entry in ClinVar:

ClinVar aggregate classification (germline): Pathogenic. Review status: reviewed by expert panel (3 of 4 stars). 9 submissions from 9 submitters: Pathogenic (1). 8 of the submissions do not count toward it. Last evaluated 2013-09-05.

Conditions:
Lynch syndrome. Identifiers: Orphanet 144, MedGen C4552100, MONDO:0005835. Disease mechanism: loss of function.
Lynch syndrome 5 (LYNCH5). Also called: Colorectal cancer, hereditary nonpolyposis, type 5; Hereditary non-polyposis colorectal cancer, type 5. Identifiers: Orphanet 144, MedGen C1833477, MONDO:0013710, OMIM 614350. Disease mechanism: loss of function.
Hereditary nonpolyposis colon cancer (HNPCC). Also called: Hereditary nonpolyposis colorectal cancer; Familial nonpolyposis colon cancer; Hereditary Nonpolyposis Colorectal Cancer Syndrome. Identifiers: Orphanet 443909, MedGen C1333990, MONDO:0018630. Disease mechanism: loss of function.
Hereditary nonpolyposis colorectal neoplasms. Identifiers: MedGen C0009405, MeSH D003123.
Hereditary cancer-predisposing syndrome. Also called: Tumor predisposition; Hereditary Cancer Syndrome; Hereditary neoplastic syndrome; Neoplastic Syndromes, Hereditary. Identifiers: Orphanet 140162, MedGen C0027672, MeSH D009386, MONDO:0015356.

Submissions (9):

International Society for Gastrointestinal Hereditary Tumours (InSiGHT)
Classification: Pathogenic for Lynch Syndrome. Last evaluated: 2013-09-05. Review status: reviewed by expert panel. Criteria: Guidelines v1.9. Collection method: research. Allele origin: germline.
Comment: Coding sequence variation resulting in a stop codon

Classified with v1.9 guidelines

Women's Health and Genetics/Laboratory Corporation of America, LabCorp
Classification: Pathogenic for Hereditary nonpolyposis colon cancer. Last evaluated: 2025-09-29. Review status: criteria provided, single submitter. Criteria: LabCorp Variant Classification Summary - May 2015. Collection method: clinical testing. Allele origin: germline. Not counted in ClinVar's aggregate classification.
Comment: Variant summary: MSH6 c.1572C>G (p.Tyr524X) results in a premature termination codon, predicted to cause a truncation of the encoded protein or absence of the protein due to nonsense mediated decay, which are commonly known mechanisms for disease. The variant was absent in 251322 control chromosomes. c.1572C>G has been observed in individuals affected with or suspected of Hereditary Nonpolyposis Colorectal Cancer/Lynch syndrome (e.g. Rubio_2016, Feliubadal_2019, Li_2025). These data indicate that the variant is likely associated with disease. To our knowledge, no experimental evidence demonstrating an impact on protein function has been reported. The following publications have been ascertained in the context of this evaluation (PMID: 32234730, 30927264, 27398995, 40118241). ClinVar contains an entry for this variant (Variation ID: 89202). Based on the evidence outlined above, the variant was classified as pathogenic.

Institute of Immunology and Genetics Kaiserslautern
Classification: Pathogenic for Lynch syndrome 5. Last evaluated: 2025-07-25. Review status: criteria provided, single submitter. Criteria: ACMG Guidelines, 2015. Collection method: clinical testing. Allele origin: germline. Affected: yes. Not counted in ClinVar's aggregate classification.
Comment: ACMG Criteria: PVS1, PM2, PP4, PP5_M.

Labcorp Genetics (formerly Invitae), Labcorp
Classification: Pathogenic for Hereditary nonpolyposis colorectal neoplasms. Last evaluated: 2025-05-21. Review status: criteria provided, single submitter. Criteria: Invitae Variant Classification Sherloc (09022015). Collection method: clinical testing. Allele origin: germline. Not counted in ClinVar's aggregate classification.
Comment: This sequence change creates a premature translational stop signal (p.Tyr524*) in the MSH6 gene. It is expected to result in an absent or disrupted protein product. Loss-of-function variants in MSH6 are known to be pathogenic (PMID: 18269114, 24362816). This variant is not present in population databases (gnomAD no frequency). This premature translational stop signal has been observed in individual(s) with MSH6-related conditions (PMID: 27398995, 30927264). ClinVar contains an entry for this variant (Variation ID: 89202). For these reasons, this variant has been classified as Pathogenic.

Ambry Genetics
Classification: Pathogenic for Hereditary cancer-predisposing syndrome. Last evaluated: 2025-05-07. Review status: criteria provided, single submitter. Criteria: Ambry Variant Classification Scheme 2023. Collection method: clinical testing. Allele origin: germline. Not counted in ClinVar's aggregate classification.
Comment: The p.Y524* pathogenic mutation (also known as c.1572C>G), located in coding exon 4 of the MSH6 gene, results from a C to G substitution at nucleotide position 1572. This changes the amino acid from a tyrosine to a stop codon within coding exon 4. This variant is considered to be rare based on population cohorts in the Genome Aggregation Database (gnomAD). In addition to the clinical data presented in the literature, this alteration is expected to result in loss of function by premature protein truncation or nonsense-mediated mRNA decay. As such, this alteration is interpreted as a disease-causing mutation.

All of Us Research Program, National Institutes of Health
Classification: Pathogenic for Lynch syndrome. Last evaluated: 2024-08-13. Review status: criteria provided, single submitter. Criteria: ACMG Guidelines, 2015. Collection method: clinical testing. Allele origin: germline. Inheritance: Autosomal dominant inheritance. Observed: 1 variant allele, 1 heterozygote. Not counted in ClinVar's aggregate classification.
Comment: This variant changes 1 nucleotide in exon 4 of the MSH6 gene, creating a premature translation stop signal. This variant is expected to result in an absent or non-functional protein product. This variant has been reported in an individual affected with endometrial cancer (PMID: 27398995). This variant has not been identified in the general population by the Genome Aggregation Database (gnomAD). Loss of MSH6 function is a known mechanism of disease. Based on the available evidence, this variant is classified as Pathogenic.

This study involves interpretation of variants in research participants for the purpose of population health screening. Participant phenotype was not available at the time of variant classification. Additional details can be found in publication PMID: 35346344, PMCID: PMC8962531

Color Diagnostics, LLC DBA Color Health
Classification: Pathogenic for Hereditary cancer-predisposing syndrome. Last evaluated: 2024-06-12. Review status: criteria provided, single submitter. Criteria: ACMG Guidelines, 2015. Collection method: clinical testing. Allele origin: germline. Not counted in ClinVar's aggregate classification.
Comment: This variant changes 1 nucleotide in exon 4 of the MSH6 gene, creating a premature translation stop signal. This variant is expected to result in an absent or non-functional protein product. This variant has been reported in an individual affected with endometrial cancer (PMID: 27398995). This variant has not been identified in the general population by the Genome Aggregation Database (gnomAD). Loss of MSH6 function is a known mechanism of disease. Based on the available evidence, this variant is classified as Pathogenic.

Myriad Genetics, Inc.
Classification: Pathogenic for Lynch syndrome 5. Last evaluated: 2023-08-14. Review status: criteria provided, single submitter. Criteria: Myriad Autosomal Dominant, Autosomal Recessive and X-Linked Classification Criteria (2023). Collection method: clinical testing. Allele origin: unknown. Not counted in ClinVar's aggregate classification.
Comment: This variant is considered pathogenic. This variant creates a termination codon and is predicted to result in premature protein truncation.

GeneDx
Classification: Pathogenic. Last evaluated: 2022-07-14. Review status: criteria provided, single submitter. Criteria: GeneDx Variant Classification Process June 2021. Collection method: clinical testing. Allele origin: germline. Affected: yes. Not counted in ClinVar's aggregate classification.
Comment: Nonsense variant predicted to result in protein truncation or nonsense mediated decay in a gene for which loss-of-function is a known mechanism of disease; Not observed at significant frequency in large population cohorts (gnomAD); Truncating variants in this gene are considered pathogenic by a well-established clinical consortium and/or database; Observed in individuals referred for hereditary colorectal cancer testing (Rey et al., 2017); This variant is associated with the following publications: (PMID: 28152038, 28502729)

Literature cited by the submitters: PubMed 27398995 (cited by 4 submitters); PubMed 30927264 (cited by Women's Health and Genetics/Laboratory Corporation of America, LabCorp and Labcorp Genetics (formerly Invitae), Labcorp); PubMed 32234730 (cited by Women's Health and Genetics/Laboratory Corporation of America, LabCorp); PubMed 40118241 (cited by Women's Health and Genetics/Laboratory Corporation of America, LabCorp); PubMed 18269114 (cited by Labcorp Genetics (formerly Invitae), Labcorp); PubMed 24362816 (cited by Labcorp Genetics (formerly Invitae), Labcorp).

NM_000179.3(MSH6):c.1572C>G (p.Tyr524Ter)

Gene: MSH6 (mutS homolog 6; plus strand). Cytogenetic location: 2p16.3.
Variant type: single nucleotide variant.
Coding change: c.1572C>G on transcript NM_000179.3 (MANE Select); coding-DNA position 1572, C replaced by G.
Protein change: p.Tyr524Ter; replaces tyrosine 524 with a stop codon.
Molecular consequence: nonsense.
Genome position (GRCh38, 1-based): chr2:47,799,555, C>G. VCF-style: chr2-47799555-C-G. GRCh37 (hg19) VCF-style: chr2-48026694-C-G.
Other names: c.1182C>G, p.Tyr394Ter (NM_001281492.2); c.666C>G, p.Tyr222Ter (NM_001281493.2, NM_001281494.2); short protein forms Y524*, Y222*, Y394*.
Identifiers: ClinVar variation 89202 (VCV000089202.22), dbSNP rs587779215, ClinGen allele CA008805.